The following is an entry in ClinVar:

NM_002047.4(GARS1):c.542C>T (p.Thr181Ile)

Gene: GARS1 (glycyl-tRNA synthetase 1; plus strand). Cytogenetic location: 7p14.3.
Variant type: single nucleotide variant.
Coding change: c.542C>T on transcript NM_002047.4 (MANE Select); coding-DNA position 542, C replaced by T.
Protein change: p.Thr181Ile; replaces threonine 181 with isoleucine.
Molecular consequence: missense variant.
Genome position (GRCh38, 1-based): chr7:30,601,173, C>T. VCF-style: chr7-30601173-C-T. GRCh37 (hg19) VCF-style: chr7-30640789-C-T.
Other names: c.380C>T, p.Thr127Ile (NM_001316772.1); short protein forms T127I, T181I.
Identifiers: ClinVar variation 839332 (VCV000839332.9), dbSNP rs1425456318, ClinGen allele CA367139579.

ClinVar aggregate classification (germline): Uncertain significance (1 of 4 stars; one submission).

Conditions:
Charcot-Marie-Tooth disease type 2. Also called: Charcot-Marie-Tooth type 2. Identifiers: Orphanet 64746, MedGen C0270914, MONDO:0018993.

Submission:

Labcorp Genetics (formerly Invitae), Labcorp
Classification: Uncertain significance for Charcot-Marie-Tooth disease type 2. Last evaluated: 2019-04-15. Review status: criteria provided, single submitter. Criteria: Invitae Variant Classification Sherloc (09022015). Collection method: clinical testing. Allele origin: germline.
Comment: This sequence change replaces threonine with isoleucine at codon 181 of the GARS protein (p.Thr181Ile). The threonine residue is highly conserved and there is a moderate physicochemical difference between threonine and isoleucine. This variant is not present in population databases (ExAC no frequency). This variant has not been reported in the literature in individuals with GARS-related conditions. Algorithms developed to predict the effect of missense changes on protein structure and function are either unavailable or do not agree on the potential impact of this missense change (SIFT: "Deleterious"; PolyPhen-2: "Probably Damaging"; Align-GVGD: "Class C15"). In summary, the available evidence is currently insufficient to determine the role of this variant in disease. Therefore, it has been classified as a Variant of Uncertain Significance.